The following is an entry in ClinVar:

ClinVar aggregate classification (germline): Benign. Review status: criteria provided, multiple submitters, no conflicts (2 of 4 stars). 3 submissions from 3 submitters: Benign (3). Last evaluated 2026-02-03.

Allele frequency attached by ClinVar (database versions not stated): gnomAD 0.07429 and 0.07638; ESP Exome Variant Server 0.02829; ExAC 0.06748; gnomAD exomes 0.04866; 1000 Genomes Project 30x 0.05715.
gnomAD v4.1: 113,612 of 1,593,286 alleles (7.1%); highest among the groups gnomAD compares: Middle Eastern, 8%; 5,079 homozygotes.

Submissions (3):

Labcorp Genetics (formerly Invitae), Labcorp
Classification: Benign. Last evaluated: 2026-02-03. Review status: criteria provided, single submitter. Criteria: Invitae Variant Classification Sherloc (09022015). Collection method: clinical testing. Allele origin: germline.

GeneDx
Classification: Benign. Last evaluated: 2018-11-08. Review status: criteria provided, single submitter. Criteria: GeneDx Variant Classification Process June 2021. Collection method: clinical testing. Allele origin: germline. Affected: yes.
Comment: This variant is associated with the following publications: (PMID: 7904610, 23725475, 22108961, 7714098, 19890021, 25111116, 7586598)

Breakthrough Genomics
Classification: Benign. Review status: criteria provided, single submitter. Criteria: ACMG Guidelines, 2015. Collection method: not provided. Allele origin: germline. Inheritance: Autosomal recessive inheritance. Affected: yes.

NM_000894.3(LHB):c.104T>C (p.Ile35Thr)

Gene: LHB (luteinizing hormone subunit beta; minus strand). Cytogenetic location: 19q13.33.
Variant type: single nucleotide variant.
Coding change: c.104T>C on transcript NM_000894.3 (MANE Select); coding-DNA position 104, T replaced by C.
Protein change: p.Ile35Thr; replaces isoleucine 35 with threonine.
Molecular consequence: missense variant.
Genome position (GRCh38, 1-based): chr19:49,016,626, A>G on the plus strand (T>C on the coding strand, the complement: LHB is on the minus strand). VCF-style: chr19-49016626-A-G. GRCh37 (hg19) VCF-style: chr19-49519883-A-G.
Other names: I15T; short protein forms I35T.
Identifiers: ClinVar variation 446194 (VCV000446194.14), dbSNP rs34349826, ClinGen allele CA035784.
Genomic context (GRCh38, chr19:49,016,626, plus strand): 5'-GCACAGATGGTGGTGTTGACGGTGATGCACACTGGGCAGCCCTCCTTCTCGACAGCCAGG[A>G]TGGCATTGATGGGGTGGCACCATGGCCGAAGCGGCTCCCTGGATGCCCATGCCCCGCCCA-3'
Protein context (NP_000885.1, residues 25-45): LRPWCHPINA[Ile35Thr]LAVEKEGCPV